The following is an entry in ClinVar:

ClinVar aggregate classification (germline): Likely benign. Review status: criteria provided, multiple submitters, no conflicts (2 of 4 stars). 6 submissions from 6 submitters: Likely benign (3). 3 of the submissions do not count toward it. Last evaluated 2026-07-01.

Conditions:
FHL1-related disorder. Also called: FHL1-related disorders; FHL1-related condition.
X-linked myopathy with postural muscle atrophy. Also called: FHL1-Related Emery-Dreifuss Muscular Dystrophy, X-Linked. Identifiers: Orphanet 178461, MedGen C2678055, MONDO:0010401, OMIM 300696.

Allele frequency attached by ClinVar (database versions not stated): ExAC below 0.00001; TOPMed 0.00001; gnomAD 0.00002.

Submissions (6):

CeGaT Center for Human Genetics Tuebingen
Classification: Likely benign. Last evaluated: 2026-07-01. Review status: criteria provided, single submitter. Criteria: CeGaT Center For Human Genetics Tuebingen Variant Classification Criteria Version 2. Collection method: clinical testing. Allele origin: germline. Affected: yes. Observed: 4 variant alleles.
Comment: FHL1: BP4

Labcorp Genetics (formerly Invitae), Labcorp
Classification: Likely benign for X-linked myopathy with postural muscle atrophy. Last evaluated: 2025-12-16. Review status: criteria provided, single submitter. Criteria: Invitae Variant Classification Sherloc (09022015). Collection method: clinical testing. Allele origin: germline.

Blueprint Genetics
Classification: Likely benign. Last evaluated: 2022-06-22. Review status: criteria provided, single submitter. Criteria: ACMG Guidelines, 2015. Collection method: clinical testing. Allele origin: germline.

PreventionGenetics, part of Exact Sciences
Classification: Likely benign for FHL1-related condition. Last evaluated: 2022-03-02. Review status: no assertion criteria provided. Collection method: clinical testing. Allele origin: germline. Not counted in ClinVar's aggregate classification.
Comment: This variant is classified as likely benign based on ACMG/AMP sequence variant interpretation guidelines (Richards et al. 2015 PMID: 25741868, with internal and published modifications).

Clinical Genetics, Academic Medical Center
Classification: Benign. Review status: no assertion criteria provided. Collection method: clinical testing. Allele origin: germline. Affected: yes. Study: VKGL Data-share Consensus. Not counted in ClinVar's aggregate classification.

Diagnostic Laboratory, Department of Genetics, University Medical Center Groningen
Classification: Likely benign. Review status: no assertion criteria provided. Collection method: clinical testing. Allele origin: germline. Affected: yes. Study: VKGL Data-share Consensus. Not counted in ClinVar's aggregate classification.

NM_001159699.2(FHL1):c.737-12_737-8del

Gene: FHL1 (four and a half LIM domains 1; plus strand). Cytogenetic location: Xq26.3.
Variant type: Deletion.
Coding change: c.737-12_737-8del on transcript NM_001159699.2 (MANE Select); 12 bases into the intron before coding-DNA position 737 through 8 bases into the intron before coding-DNA position 737, 5 bases deleted (TTTTC; older notation c.737-12_737-8delTTTTC).
Molecular consequence: intron variant.
Genome position (GRCh38, 1-based): chrX:136,209,859-136,209,863, TTTTC deleted. VCF-style (leftmost placement, unchanged base first): chrX-136209858-TTTTTC-T. GRCh37 (hg19) VCF-style: chrX-135292017-TTTTTC-T.
Other names: c.889-12_889-8del5 (NM_001159702.2); c.550-12_550-8del (NM_001330659.2); c.689-12_689-8del (NM_001369331.1, NM_001449.5, NM_001369329.1 and 4 more transcripts); c.889-12_889-8del (NM_001159702.3, NM_001369326.1, NM_001369327.2 and 1 more transcripts); c.502-12_502-8del (NM_001159703.2); c.776-12_776-8del (NM_001159701.2).
Identifiers: ClinVar variation 807823 (VCV000807823.53), dbSNP rs761074507, ClinGen allele CA10525109.